The following is an entry in ClinVar:

NM_002692.4(POLE2):c.95C>T (p.Ala32Val)

Gene: POLE2 (DNA polymerase epsilon 2, accessory subunit; minus strand). Cytogenetic location: 14q21.3.
Variant type: single nucleotide variant.
Coding change: c.95C>T on transcript NM_002692.4 (MANE Select); coding-DNA position 95, C replaced by T.
Protein change: p.Ala32Val; replaces alanine 32 with valine.
Molecular consequence: missense variant. On other transcripts: 5 prime UTR variant (1).
Genome position (GRCh38, 1-based): chr14:49,683,667, G>A on the plus strand (C>T on the coding strand, the complement: POLE2 is on the minus strand). VCF-style: chr14-49683667-G-A. GRCh37 (hg19) VCF-style: chr14-50150385-G-A.
Other names: c.95C>T, p.Ala32Val (NM_001197330.2, NM_001197331.3, NM_001348384.2); c.-141C>T (NM_001348385.2); short protein forms A32V.
Identifiers: ClinVar variation 1951983 (VCV001951983.5), dbSNP rs374678938, ClinGen allele CA7173745.

ClinVar aggregate classification (germline): Uncertain significance (1 of 4 stars; one submission).

Allele frequency attached by ClinVar (database versions not stated): ExAC 0.00001; ESP Exome Variant Server 0.00008; gnomAD 0.00003; TOPMed 0.00003.
gnomAD v4.1: 32 of 1,581,154 alleles (0.002%); highest among the groups gnomAD compares: Non-Finnish European, 0.0025%; no homozygotes.

Submission:

Labcorp Genetics (formerly Invitae), Labcorp
Classification: Uncertain significance. Last evaluated: 2023-07-14. Review status: criteria provided, single submitter. Criteria: Invitae Variant Classification Sherloc (09022015). Collection method: clinical testing. Allele origin: germline.
Comment: This variant has not been reported in the literature in individuals affected with POLE2-related conditions. This variant is present in population databases (rs374678938, gnomAD 0.003%). This sequence change replaces alanine, which is neutral and non-polar, with valine, which is neutral and non-polar, at codon 32 of the POLE2 protein (p.Ala32Val). In summary, the available evidence is currently insufficient to determine the role of this variant in disease. Therefore, it has been classified as a Variant of Uncertain Significance. An algorithm developed to predict the effect of missense changes on protein structure and function (PolyPhen-2) suggests that this variant is likely to be tolerated. ClinVar contains an entry for this variant (Variation ID: 1951983).